The following is an entry in ClinVar:

ClinVar aggregate classification (germline): Uncertain significance. Review status: criteria provided, multiple submitters, no conflicts (2 of 4 stars). 2 submissions from 2 submitters: Uncertain significance (2). Last evaluated 2023-04-03.

Conditions:
Primary dilated cardiomyopathy (DCM). Also called: Dilated Cardiomyopathy. Identifiers: Orphanet 217604, MedGen C0007193, MeSH D002311, MONDO:0005021, HP:0001644. Inheritance: Various modes of inheritance.
Cardiomyopathy (CMYO). Also called: Cardiomyopathies. Identifiers: Orphanet 167848, MedGen C0878544, MONDO:0004994, HP:0001638. Inheritance: Various modes of inheritance.

Allele frequency attached by ClinVar (database versions not stated): gnomAD exomes below 0.00001.
gnomAD v4.1: 2 of 1,556,204 alleles (0.00013%); highest among the groups gnomAD compares: South Asian, 0.0024%; no homozygotes.

Submissions (2):

All of Us Research Program, National Institutes of Health
Classification: Uncertain significance for Primary dilated cardiomyopathy. Last evaluated: 2023-04-03. Review status: criteria provided, single submitter. Criteria: ACMG Guidelines, 2015. Collection method: clinical testing. Allele origin: germline. Inheritance: Autosomal dominant inheritance. Observed: 1 variant allele, 1 heterozygote.
Comment: This missense variant replaces threonine with alanine at codon 548 of the LMNA protein. Computational prediction is inconclusive regarding the impact of this variant on protein structure and function (internally defined REVEL score threshold 0.5 < inconclusive < 0.7, PMID: 27666373). To our knowledge, functional studies have not been reported for this variant. This variant has not been reported in individuals affected with LMNA-related disorders in the literature. This variant has not been identified in the general population by the Genome Aggregation Database (gnomAD). The available evidence is insufficient to determine the role of this variant in disease conclusively. Therefore, this variant is classified as a Variant of Uncertain Significance.

This study involves interpretation of variants in research participants for the purpose of population health screening. Participant phenotype was not available at the time of variant classification. Additional details can be found in publication PMID: 35346344, PMCID: PMC8962531

Color Diagnostics, LLC DBA Color Health
Classification: Uncertain significance for Cardiomyopathy. Last evaluated: 2022-12-05. Review status: criteria provided, single submitter. Criteria: ACMG Guidelines, 2015. Collection method: clinical testing. Allele origin: germline.
Comment: This missense variant replaces threonine with alanine at codon 548 of the LMNA protein. Computational prediction is inconclusive regarding the impact of this variant on protein structure and function (internally defined REVEL score threshold 0.5 < inconclusive < 0.7, PMID: 27666373). To our knowledge, functional studies have not been reported for this variant. This variant has not been reported in individuals affected with LMNA-related disorders in the literature. This variant has not been identified in the general population by the Genome Aggregation Database (gnomAD). The available evidence is insufficient to determine the role of this variant in disease conclusively. Therefore, this variant is classified as a Variant of Uncertain Significance.

NM_170707.4(LMNA):c.1642A>G (p.Thr548Ala)

Gene: LMNA (lamin A/C; plus strand). Cytogenetic location: 1q22.
Variant type: single nucleotide variant.
Coding change: c.1642A>G on transcript NM_170707.4 (MANE Select); coding-DNA position 1642, A replaced by G.
Protein change: p.Thr548Ala; replaces threonine 548 with alanine.
Molecular consequence: missense variant. On other transcripts: intron variant (1).
Genome position (GRCh38, 1-based): chr1:156,137,687, A>G. VCF-style: chr1-156137687-A-G. GRCh37 (hg19) VCF-style: chr1-156107478-A-G.
Other names: c.1306A>G, p.Thr436Ala (NM_001257374.3, NM_001406989.1, NM_001406998.1); c.1399A>G, p.Thr467Ala (NM_001282624.2, NM_001406986.1, NM_001406987.1); c.1642A>G, p.Thr548Ala (NM_001282625.2, NM_001282626.2, NM_001406983.1 and 5 more transcripts); c.1345A>G, p.Thr449Ala (NM_001406988.1); c.1084A>G, p.Thr362Ala (NM_001406990.1, NM_001406993.1, NM_001406995.1 and 4 more transcripts); c.1018A>G, p.Thr340Ala (NM_001406994.1, NM_001406999.1, NM_001407000.1 and 1 more transcripts); c.1608+455A>G (NM_170708.4); short protein forms T340A, T362A, T449A, T436A, T467A, T548A.
Identifiers: ClinVar variation 2773548 (VCV002773548.3), dbSNP rs1651784912, ClinGen allele CA342825486.